The following is an entry in ClinVar:

NM_001379286.1(ZNF423):c.2267A>T (p.Lys756Met)

Gene: ZNF423 (zinc finger protein 423; minus strand). Cytogenetic location: 16q12.1.
Variant type: single nucleotide variant.
Coding change: c.2267A>T on transcript NM_001379286.1 (MANE Select); coding-DNA position 2267, A replaced by T.
Protein change: p.Lys756Met; replaces lysine 756 with methionine.
Molecular consequence: missense variant.
Genome position (GRCh38, 1-based): chr16:49,636,909, T>A on the plus strand (A>T on the coding strand, the complement: ZNF423 is on the minus strand). VCF-style: chr16-49636909-T-A. GRCh37 (hg19) VCF-style: chr16-49670820-T-A.
Other names: c.2063A>T, p.Lys688Met (NM_001271620.2); c.1892A>T, p.Lys631Met (NM_001330533.2); c.2243A>T, p.Lys748Met (NM_015069.5); short protein forms K631M, K756M, K688M, K748M.
Identifiers: ClinVar variation 1396355 (VCV001396355.6), dbSNP rs2151883621, ClinGen allele CA395843505.

ClinVar aggregate classification (germline): Uncertain significance (1 of 4 stars; one submission).

Conditions:
Nephronophthisis 14 (NPHP14). Identifiers: Orphanet 2318, MedGen C3539071, MONDO:0013916, OMIM 614844.

Submission:

Labcorp Genetics (formerly Invitae), Labcorp
Classification: Uncertain significance for Nephronophthisis 14. Last evaluated: 2021-12-04. Review status: criteria provided, single submitter. Criteria: Invitae Variant Classification Sherloc (09022015). Collection method: clinical testing. Allele origin: germline.
Comment: This sequence change replaces lysine, which is basic and polar, with methionine, which is neutral and non-polar, at codon 748 of the ZNF423 protein (p.Lys748Met). In summary, the available evidence is currently insufficient to determine the role of this variant in disease. Therefore, it has been classified as a Variant of Uncertain Significance. Algorithms developed to predict the effect of missense changes on protein structure and function (SIFT, PolyPhen-2, Align-GVGD) all suggest that this variant is likely to be disruptive. This variant has not been reported in the literature in individuals affected with ZNF423-related conditions. This variant is not present in population databases (gnomAD no frequency).